The following is an entry in ClinVar:

NM_003816.3(ADAM9):c.44G>C (p.Arg15Pro)

Genes: ADAM9 (ADAM metallopeptidase domain 9; plus strand), LOC130000261 (ATAC-STARR-seq lymphoblastoid active region 27275; plus strand). Cytogenetic location: 8p11.22.
Variant type: single nucleotide variant.
Coding change: c.44G>C on transcript NM_003816.3 (MANE Select); coding-DNA position 44, G replaced by C.
Protein change: p.Arg15Pro; replaces arginine 15 with proline.
Molecular consequence: missense variant. On other transcripts: non-coding transcript variant (3).
Genome position (GRCh38, 1-based): chr8:38,997,107, G>C. VCF-style: chr8-38997107-G-C. GRCh37 (hg19) VCF-style: chr8-38854626-G-C.
Other names: short protein forms R15P.
Identifiers: ClinVar variation 1923978 (VCV001923978.5), dbSNP rs2491909727, ClinGen allele CA370750836.

ClinVar aggregate classification (germline): Uncertain significance (1 of 4 stars; one submission).

gnomAD v4.1: 2 of 1,606,012 alleles (0.00012%); highest among the groups gnomAD compares: Admixed American, 0.0017%; no homozygotes.

Submission:

Labcorp Genetics (formerly Invitae), Labcorp
Classification: Uncertain significance. Last evaluated: 2023-09-22. Review status: criteria provided, single submitter. Criteria: Invitae Variant Classification Sherloc (09022015). Collection method: clinical testing. Allele origin: germline.
Comment: This variant has not been reported in the literature in individuals affected with ADAM9-related conditions. In summary, the available evidence is currently insufficient to determine the role of this variant in disease. Therefore, it has been classified as a Variant of Uncertain Significance. An algorithm developed to predict the effect of missense changes on protein structure and function (PolyPhen-2) suggests that this variant is likely to be tolerated. ClinVar contains an entry for this variant (Variation ID: 1923978). This variant is not present in population databases (gnomAD no frequency). This sequence change replaces arginine, which is basic and polar, with proline, which is neutral and non-polar, at codon 15 of the ADAM9 protein (p.Arg15Pro).